The following is an entry in ClinVar:

NM_153460.4(IL17RC):c.492G>A (p.Glu164=)

Gene: IL17RC (interleukin 17 receptor C; plus strand). Cytogenetic location: 3p25.3.
Variant type: single nucleotide variant.
Coding change: c.492G>A on transcript NM_153460.4 (MANE Select); coding-DNA position 492, G replaced by A.
Protein change: p.Glu164=; no amino-acid change (glutamic acid 164 retained).
Molecular consequence: synonymous variant. On other transcripts: non-coding transcript variant (1).
Genome position (GRCh38, 1-based): chr3:9,920,517, G>A. VCF-style: chr3-9920517-G-A. GRCh37 (hg19) VCF-style: chr3-9962201-G-A.
Other names: c.492G>A, p.Glu164= (NM_001203263.2, NM_001203264.2, NM_001203265.2 and 4 more transcripts); c.417G>A, p.Glu139= (NM_001367279.1); c.705G>A, p.Glu235= (NM_153461.4).
Identifiers: ClinVar variation 3049293 (VCV003049293.2), dbSNP rs1229606921, ClinGen allele CA432394678.

ClinVar aggregate classification (germline): Likely benign (0 of 4 stars; one submission).

Conditions:
IL17RC-related disorder. Also called: IL17RC-related condition.

Allele frequency attached by ClinVar (database versions not stated): TOPMed below 0.00001.

Submission:

PreventionGenetics, part of Exact Sciences
Classification: Likely benign for IL17RC-related condition. Last evaluated: 2023-02-16. Review status: no assertion criteria provided. Collection method: clinical testing. Allele origin: germline.
Comment: This variant is classified as likely benign based on ACMG/AMP sequence variant interpretation guidelines (Richards et al. 2015 PMID: 25741868, with internal and published modifications).